The following is an entry in ClinVar:

ClinVar aggregate classification (germline): Conflicting classifications of pathogenicity. Review status: criteria provided, conflicting classifications (1 of 4 stars). 3 submissions from 3 submitters: Uncertain significance (2); Likely benign (1). Last evaluated 2026-10-05.

Conditions:
Inborn genetic diseases. Identifiers: MedGen C0950123, MeSH D030342.

Allele frequency attached by ClinVar (database versions not stated): gnomAD exomes below 0.00001.
gnomAD v4.1: 1 of 1,211,646 alleles (0.000083%); highest among the groups gnomAD compares: Admixed American, 0.0022%; no homozygotes.

Submissions (3):

GeneDx
Classification: Likely benign. Last evaluated: 2026-10-05. Review status: criteria provided, single submitter. Criteria: GeneDx Variant Classification Process June 2021. Collection method: clinical testing. Allele origin: germline.
Comment: In silico analysis suggests that this missense variant does not alter protein structure/function; Has not been previously published as pathogenic or benign to our knowledge

Ambry Genetics
Classification: Uncertain significance for Inborn genetic diseases. Last evaluated: 2025-11-26. Review status: criteria provided, single submitter. Criteria: Ambry Variant Classification Scheme 2023. Collection method: clinical testing. Allele origin: germline.

Blueprint Genetics
Classification: Uncertain significance. Last evaluated: 2023-06-19. Review status: criteria provided, single submitter. Criteria: ACMG Guidelines, 2015. Collection method: clinical testing. Allele origin: germline.

NM_004606.5(TAF1):c.590A>T (p.Glu197Val)

Gene: TAF1 (TATA-box binding protein associated factor 1; plus strand). Cytogenetic location: Xq13.1.
Variant type: single nucleotide variant.
Coding change: c.590A>T on transcript NM_004606.5 (MANE Select); coding-DNA position 590, A replaced by T.
Protein change: p.Glu197Val; replaces glutamic acid 197 with valine.
Molecular consequence: missense variant. On other transcripts: non-coding transcript variant (9).
Genome position (GRCh38, 1-based): chrX:71,377,067, A>T. VCF-style: chrX-71377067-A-T. GRCh37 (hg19) VCF-style: chrX-70596917-A-T.
Other names: c.590A>T, p.Glu197Val (NM_001286074.2); c.527A>T, p.Glu176Val (NM_138923.4); c.650A>T (NM_004606.3); short protein forms E176V, E197V.
Identifiers: ClinVar variation 2579949 (VCV002579949.4), dbSNP rs2520124180, ClinGen allele CA413506217.